The following is an entry in ClinVar:

ClinVar aggregate classification (germline): Benign/Likely benign. Review status: criteria provided, multiple submitters, no conflicts (2 of 4 stars). 3 submissions from 3 submitters: Benign (1); Likely benign (2). Last evaluated 2024-04-04.

Conditions:
Hereditary cancer-predisposing syndrome. Also called: Hereditary neoplastic syndrome; Hereditary Cancer Syndrome; Neoplastic Syndromes, Hereditary; Tumor predisposition. Identifiers: Orphanet 140162, MedGen C0027672, MeSH D009386, MONDO:0015356.
Familial adenomatous polyposis 1 (FAP1). Also called: FAMILIAL ADENOMATOUS POLYPOSIS 1, ATTENUATED; POLYPOSIS, ADENOMATOUS INTESTINAL. Identifiers: MedGen C2713442, MONDO:0021056, OMIM 175100. Disease mechanism: loss of function.

Submissions (3):

Myriad Genetics, Inc.
Classification: Benign for Familial adenomatous polyposis 1. Last evaluated: 2024-04-04. Review status: criteria provided, single submitter. Criteria: Myriad Autosomal Dominant, Autosomal Recessive and X-Linked Classification Criteria (2023). Collection method: clinical testing. Allele origin: unknown.
Comment: This variant is considered benign. This variant is a silent/synonymous amino acid change and it is not expected to impact splicing.

Labcorp Genetics (formerly Invitae), Labcorp
Classification: Likely benign for Familial adenomatous polyposis 1. Last evaluated: 2023-08-10. Review status: criteria provided, single submitter. Criteria: Invitae Variant Classification Sherloc (09022015). Collection method: clinical testing. Allele origin: germline.

Ambry Genetics
Classification: Likely benign for Hereditary cancer-predisposing syndrome. Last evaluated: 2020-05-03. Review status: criteria provided, single submitter. Criteria: Ambry Variant Classification Scheme 2023. Collection method: clinical testing. Allele origin: germline.

NM_000038.6(APC):c.6195C>G (p.Pro2065=)

Gene: APC (APC regulator of Wnt signaling pathway; plus strand). Cytogenetic location: 5q22.2.
Variant type: single nucleotide variant.
Coding change: c.6195C>G on transcript NM_000038.6 (MANE Select); coding-DNA position 6195, C replaced by G.
Protein change: p.Pro2065=; no amino-acid change (proline 2065 retained).
Molecular consequence: synonymous variant.
Genome position (GRCh38, 1-based): chr5:112,841,789, C>G. VCF-style: chr5-112841789-C-G. GRCh37 (hg19) VCF-style: chr5-112177486-C-G.
Other names: c.6195C>G, p.Pro2065= (NM_001127510.3, NM_001354895.2); c.6141C>G, p.Pro2047= (NM_001127511.3); c.6249C>G, p.Pro2083= (NM_001354896.2); c.6225C>G, p.Pro2075= (NM_001354897.2); c.6120C>G, p.Pro2040= (NM_001354898.2); c.6111C>G, p.Pro2037= (NM_001354899.2); c.6072C>G, p.Pro2024= (NM_001354900.2); c.6018C>G, p.Pro2006= (NM_001354901.2); and 5 more.
Identifiers: ClinVar variation 1116647 (VCV001116647.13), dbSNP rs2149959395, ClinGen allele CA446209420.